The following is an entry in ClinVar:

ClinVar aggregate classification (germline): Uncertain significance. Review status: criteria provided, multiple submitters, no conflicts (2 of 4 stars). 2 submissions from 2 submitters: Uncertain significance (2). Last evaluated 2024-07-22.

Conditions:
Hereditary cancer-predisposing syndrome. Also called: Tumor predisposition; Hereditary Cancer Syndrome; Hereditary neoplastic syndrome; Neoplastic Syndromes, Hereditary. Identifiers: Orphanet 140162, MedGen C0027672, MeSH D009386, MONDO:0015356.

Allele frequency attached by ClinVar (database versions not stated): TOPMed below 0.00001.

Submissions (2):

Ambry Genetics
Classification: Uncertain significance for Hereditary cancer-predisposing syndrome. Last evaluated: 2024-07-22. Review status: criteria provided, single submitter. Criteria: Ambry Variant Classification Scheme 2023. Collection method: clinical testing. Allele origin: germline.
Comment: The p.A784T variant (also known as c.2350G>A), located in coding exon 16 of the CTNNA1 gene, results from a G to A substitution at nucleotide position 2350. The alanine at codon 784 is replaced by threonine, an amino acid with similar properties. This amino acid position is highly conserved in available vertebrate species. In addition, this alteration is predicted to be tolerated by in silico analysis. The evidence for this gene-disease relationship is limited; therefore, the clinical significance of this alteration is unclear.

Labcorp Genetics (formerly Invitae), Labcorp
Classification: Uncertain significance. Last evaluated: 2022-08-20. Review status: criteria provided, single submitter. Criteria: Invitae Variant Classification Sherloc (09022015). Collection method: clinical testing. Allele origin: germline.
Comment: In summary, the available evidence is currently insufficient to determine the role of this variant in disease. Therefore, it has been classified as a Variant of Uncertain Significance. Algorithms developed to predict the effect of missense changes on protein structure and function are either unavailable or do not agree on the potential impact of this missense change (SIFT: "Deleterious"; PolyPhen-2: "Benign"; Align-GVGD: "Class C0"). This variant has not been reported in the literature in individuals affected with CTNNA1-related conditions. This variant is not present in population databases (gnomAD no frequency). This sequence change replaces alanine, which is neutral and non-polar, with threonine, which is neutral and polar, at codon 784 of the CTNNA1 protein (p.Ala784Thr).

NM_001903.5(CTNNA1):c.2350G>A (p.Ala784Thr)

Gene: CTNNA1 (catenin alpha 1; plus strand). Cytogenetic location: 5q31.2.
Variant type: single nucleotide variant.
Coding change: c.2350G>A on transcript NM_001903.5 (MANE Select); coding-DNA position 2350, G replaced by A.
Protein change: p.Ala784Thr; replaces alanine 784 with threonine.
Molecular consequence: missense variant. On other transcripts: intron variant (1).
Genome position (GRCh38, 1-based): chr5:138,932,629, G>A. VCF-style: chr5-138932629-G-A. GRCh37 (hg19) VCF-style: chr5-138268318-G-A.
Other names: c.2350G>A (NM_001903.2); c.2350G>A, p.Ala784Thr (NM_001290307.3, NM_001323982.2, NM_001323983.1 and 2 more transcripts); c.2041G>A, p.Ala681Thr (NM_001290309.3); c.1981G>A, p.Ala661Thr (NM_001290310.3); c.1240G>A, p.Ala414Thr (NM_001290312.1, NM_001323987.1, NM_001323988.1 and 16 more transcripts); c.2257G>A, p.Ala753Thr (NM_001323986.2); c.901G>A, p.Ala301Thr (NM_001324006.1, NM_001324007.1, NM_001324008.1 and 2 more transcripts); c.1147G>A, p.Ala383Thr (NM_001324011.1); and 2 more; short protein forms A301T, A333T, A383T, A681T, A661T, A753T, A784T, A414T.
Identifiers: ClinVar variation 1968082 (VCV001968082.6), dbSNP rs1204441821, ClinGen allele CA361134381.
Genomic context (GRCh38, chr5:138,932,629, plus strand): 5'-TCTCTTCAGTGCCCCGACTCGGCTTGCAAGCAGGACCTGCTGGCCTACCTGCAACGCATC[G>A]CCCTCTACTGCCACCAGCTGAACATCTGCAGCAAGGTCAAGGCCGAGGTGCAGAATCTCG-3'
Protein context (NP_001894.2, residues 774-794): QDLLAYLQRI[Ala784Thr]LYCHQLNICS